The following is an entry in ClinVar:

NM_017999.5(RNF31):c.2846A>G (p.Asn949Ser)

Gene: RNF31 (ring finger protein 31; plus strand). Cytogenetic location: 14q12.
Variant type: single nucleotide variant.
Coding change: c.2846A>G on transcript NM_017999.5 (MANE Select); coding-DNA position 2846, A replaced by G.
Protein change: p.Asn949Ser; replaces asparagine 949 with serine.
Molecular consequence: missense variant.
Genome position (GRCh38, 1-based): chr14:24,158,146, A>G. VCF-style: chr14-24158146-A-G. GRCh37 (hg19) VCF-style: chr14-24627355-A-G.
Other names: c.2393A>G, p.Asn798Ser (NM_001310332.2); short protein forms N949S, N798S.
Identifiers: ClinVar variation 2851374 (VCV002851374.3), dbSNP rs766565788, ClinGen allele CA7126187.

ClinVar aggregate classification (germline): Uncertain significance (1 of 4 stars; one submission).

Allele frequency attached by ClinVar (database versions not stated): gnomAD 0.00001; ExAC 0.00001.
gnomAD v4.1: 35 of 1,614,136 alleles (0.0022%); highest among the groups gnomAD compares: South Asian, 0.0033%; no homozygotes.

Submission:

Labcorp Genetics (formerly Invitae), Labcorp
Classification: Uncertain significance. Last evaluated: 2025-10-10. Review status: criteria provided, single submitter. Criteria: Invitae Variant Classification Sherloc (09022015). Collection method: clinical testing. Allele origin: germline.
Comment: This sequence change replaces asparagine, which is neutral and polar, with serine, which is neutral and polar, at codon 949 of the RNF31 protein (p.Asn949Ser). This variant is present in population databases (rs766565788, gnomAD 0.006%). This variant has not been reported in the literature in individuals affected with RNF31-related conditions. ClinVar contains an entry for this variant (Variation ID: 2851374). An algorithm developed to predict the effect of missense changes on protein structure and function (PolyPhen-2) suggests that this variant is likely to be tolerated. In summary, the available evidence is currently insufficient to determine the role of this variant in disease. Therefore, it has been classified as a Variant of Uncertain Significance.